The following is an entry in ClinVar:

ClinVar aggregate classification (germline): Uncertain significance. Review status: criteria provided, multiple submitters, no conflicts (2 of 4 stars). 3 submissions from 3 submitters: Uncertain significance (3). Last evaluated 2025-10-25.

Conditions:
Familial melanoma. Also called: Hereditary melanoma; Hereditary cutaneous melanoma. Identifiers: Orphanet 618, MedGen C1512419, MONDO:0018961.
Hereditary cancer-predisposing syndrome. Also called: Neoplastic Syndromes, Hereditary; Tumor predisposition; Hereditary Cancer Syndrome; Hereditary neoplastic syndrome. Identifiers: Orphanet 140162, MedGen C0027672, MeSH D009386, MONDO:0015356.

Allele frequency attached by ClinVar (database versions not stated): gnomAD exomes below 0.00001; gnomAD 0.00001 and 0.00002; TOPMed 0.00001.
gnomAD v4.1: 2 of 1,614,062 alleles (0.00012%); highest among the groups gnomAD compares: African/African-American, 0.0027%; no homozygotes.

Submissions (3):

Ambry Genetics
Classification: Uncertain significance for Hereditary cancer-predisposing syndrome. Last evaluated: 2025-10-25. Review status: criteria provided, single submitter. Criteria: Ambry Variant Classification Scheme 2023. Collection method: clinical testing. Allele origin: germline.
Comment: The p.F214L variant (also known as c.640T>C), located in coding exon 5 of the CDK4 gene, results from a T to C substitution at nucleotide position 640. The phenylalanine at codon 214 is replaced by leucine, an amino acid with highly similar properties. This amino acid position is highly conserved in available vertebrate species. In addition, the in silico prediction for this alteration is inconclusive. Since supporting evidence is limited at this time, the clinical significance of this alteration remains unclear.

Labcorp Genetics (formerly Invitae), Labcorp
Classification: Uncertain significance for Familial melanoma. Last evaluated: 2025-07-29. Review status: criteria provided, single submitter. Criteria: Invitae Variant Classification Sherloc (09022015). Collection method: clinical testing. Allele origin: germline.
Comment: This sequence change replaces phenylalanine, which is neutral and non-polar, with leucine, which is neutral and non-polar, at codon 214 of the CDK4 protein (p.Phe214Leu). This variant is not present in population databases (gnomAD no frequency). This variant has not been reported in the literature in individuals affected with CDK4-related conditions. ClinVar contains an entry for this variant (Variation ID: 483315). Invitae Evidence Modeling of protein sequence and biophysical properties (such as structural, functional, and spatial information, amino acid conservation, physicochemical variation, residue mobility, and thermodynamic stability) indicates that this missense variant is expected to disrupt CDK4 protein function with a positive predictive value of 95%. In summary, the available evidence is currently insufficient to determine the role of this variant in disease. Therefore, it has been classified as a Variant of Uncertain Significance.

Quest Diagnostics Nichols Institute San Juan Capistrano
Classification: Uncertain significance. Last evaluated: 2025-02-04. Review status: criteria provided, single submitter. Criteria: Quest Diagnostics criteria. Collection method: clinical testing. Allele origin: unknown.
Comment: The CDK4 c.640T>C (p.Phe214Leu) variant has not been reported in individuals with CDK4-related conditions in the published literature. The frequency of this variant in the general population (Genome Aggregation Database) is uninformative in the assessment of its pathogenicity. Analysis of this variant using bioinformatics tools for the prediction of the effect of amino acid changes on protein structure and function yielded predictions that this variant is damaging. Based on the available information, we are unable to determine the clinical significance of this variant.

Literature cited by the submitters: PubMed 38783148 (cited by Quest Diagnostics Nichols Institute San Juan Capistrano).

NM_000075.4(CDK4):c.640T>C (p.Phe214Leu)

Genes: CDK4 (cyclin dependent kinase 4; minus strand), TSPAN31 (tetraspanin 31; plus strand). Cytogenetic location: 12q14.1.
Variant type: single nucleotide variant.
Coding change: c.640T>C on transcript NM_000075.4 (MANE Select); coding-DNA position 640, T replaced by C.
Protein change: p.Phe214Leu; replaces phenylalanine 214 with leucine.
Molecular consequence: missense variant. On other transcripts: 3 prime UTR variant (3).
Genome position (GRCh38, 1-based): chr12:57,749,497, A>G on the plus strand (T>C on the coding strand, the complement: CDK4 is on the minus strand). VCF-style: chr12-57749497-A-G. GRCh37 (hg19) VCF-style: chr12-58143280-A-G.
Other names: c.*2207A>G (NM_001330168.2, NM_001330169.2, NM_005981.5); short protein forms F214L.
Identifiers: ClinVar variation 483315 (VCV000483315.16), dbSNP rs1555201131, ClinGen allele CA385544255.
Genomic context (GRCh38, chr12:57,749,497, plus strand): 5'-CCATGTTGGTCACTTACTCAAAGATTTTGCCCAACTGGTCGGCTTCAGAGTTTCCACAGA[A>G]GAGAGGCCTAAGGTGAGAAGGGATATAAGGTAGCAGTCATTTTCAAAGATATCTTAGTTG-3'
Protein context (NP_000066.1, residues 204-224): FAEMFRRKPL[Phe214Leu]CGNSEADQLG